The following is an entry in ClinVar:

NM_001366385.1(CARD14):c.2990T>C (p.Val997Ala)

Genes: SGSH (N-sulfoglucosamine sulfohydrolase; minus strand), CARD14 (caspase recruitment domain family member 14; plus strand). Cytogenetic location: 17q25.3.
Variant type: single nucleotide variant.
Coding change: c.2990T>C on transcript NM_001366385.1 (MANE Select); coding-DNA position 2990, T replaced by C.
Protein change: p.Val997Ala; replaces valine 997 with alanine.
Molecular consequence: missense variant. On other transcripts: non-coding transcript variant (1).
Genome position (GRCh38, 1-based): chr17:80,208,320, T>C. VCF-style: chr17-80208320-T-C. GRCh37 (hg19) VCF-style: chr17-78182119-T-C.
Other names: c.2990T>C, p.Val997Ala (NM_024110.4); short protein forms V997A.
Identifiers: ClinVar variation 4789739 (VCV004789739.1).
Genomic context (GRCh38, chr17:80,208,320, plus strand): 5'-ACCTGGACGGCCTGCTCAGCTGTGTCCGCCAGGCCATCGCCGACGAGCAGAAGAAGGTGG[T>C]GTGGACGGAGCAGAGCCCCCGATGATGCACCGTGCCCCTTCCCGGGACTGTGGGGGCTTC-3'
Protein context (NP_001353314.1, residues 987-1004): QAIADEQKKV[Val997Ala]WTEQSPR

ClinVar aggregate classification (germline): Uncertain significance (1 of 4 stars; one submission).

Conditions:
Pityriasis rubra pilaris (PRP). Also called: Pityriasis rubra pilaris--familial type. Identifiers: Orphanet 2897, MedGen C0032027, MONDO:0100017, OMIM 173200, MONDO:0008251.
Psoriasis 2. Identifiers: MedGen C1864497, MONDO:0011269, OMIM 602723.

Submission:

Labcorp Genetics (formerly Invitae), Labcorp
Classification: Uncertain significance for Pityriasis rubra pilaris; Psoriasis 2. Last evaluated: 2026-01-11. Review status: criteria provided, single submitter. Criteria: Invitae Variant Classification Sherloc (09022015). Collection method: clinical testing. Allele origin: germline.
Comment: This sequence change replaces valine, which is neutral and non-polar, with alanine, which is neutral and non-polar, at codon 997 of the CARD14 protein (p.Val997Ala). This variant is not present in population databases (gnomAD no frequency). This variant has not been reported in the literature in individuals affected with CARD14-related conditions. Invitae Evidence Modeling of protein sequence and biophysical properties (such as structural, functional, and spatial information, amino acid conservation, physicochemical variation, residue mobility, and thermodynamic stability) has been performed for this missense variant. However, the output from this modeling did not meet the statistical confidence thresholds required to predict the impact of this variant on CARD14 protein function. In summary, the available evidence is currently insufficient to determine the role of this variant in disease. Therefore, it has been classified as a Variant of Uncertain Significance.